The following is an entry in ClinVar:

NM_014491.4(FOXP2):c.736C>T (p.Pro246Ser)

Gene: FOXP2 (forkhead box P2; plus strand). Cytogenetic location: 7q31.1.
Variant type: single nucleotide variant.
Coding change: c.736C>T on transcript NM_014491.4 (MANE Select); coding-DNA position 736, C replaced by T.
Protein change: p.Pro246Ser; replaces proline 246 with serine.
Molecular consequence: missense variant. On other transcripts: non-coding transcript variant (2).
Genome position (GRCh38, 1-based): chr7:114,631,666, C>T. VCF-style: chr7-114631666-C-T. GRCh37 (hg19) VCF-style: chr7-114271721-C-T.
Other names: c.733C>T, p.Pro245Ser (NM_001172766.3); c.811C>T, p.Pro271Ser (NM_001172767.2, NM_148898.4); c.736C>T, p.Pro246Ser (NM_148899.3); c.787C>T, p.Pro263Ser (NM_148900.4); short protein forms P245S, P246S, P263S, P271S.
Identifiers: ClinVar variation 3360034 (VCV003360034.1).
Genomic context (GRCh38, chr7:114,631,666, plus strand): 5'-CAACTCCAGCAGCAGCAGCATCTGCTCAGCCTTCAGCGTCAGGGACTCATCTCCATTCCA[C>T]CTGGCCAGGCAGCACTTCCTGTCCAATCGCTGCCTCAAGGTACATACAAAATGTTGTGCA-3'
Protein context (NP_055306.1, residues 236-256): LQRQGLISIP[Pro246Ser]GQAALPVQSL

ClinVar aggregate classification (germline): Uncertain significance (1 of 4 stars; one submission).

Submission:

GeneDx
Classification: Uncertain significance. Last evaluated: 2023-06-16. Review status: criteria provided, single submitter. Criteria: GeneDx Variant Classification Process June 2021. Collection method: clinical testing. Allele origin: germline. Affected: yes.
Comment: Not observed at significant frequency in large population cohorts (gnomAD); In silico analysis supports that this missense variant has a deleterious effect on protein structure/function; Has not been previously published as pathogenic or benign to our knowledge